The following is an entry in ClinVar:

ClinVar aggregate classification (germline): Uncertain significance. Review status: criteria provided, multiple submitters, no conflicts (2 of 4 stars). 2 submissions from 2 submitters: Uncertain significance (2). Last evaluated 2025-08-09.

Conditions:
Inborn genetic diseases. Identifiers: MedGen C0950123, MeSH D030342.

Allele frequency attached by ClinVar (database versions not stated): ExAC 0.00001; gnomAD 0.00002 and 0.00003; gnomAD exomes 0.00002; TOPMed 0.00003.
gnomAD v4.1: 27 of 1,614,022 alleles (0.0017%); highest among the groups gnomAD compares: Non-Finnish European, 0.0023%; no homozygotes.

Submissions (2):

Ambry Genetics
Classification: Uncertain significance for Inborn genetic diseases. Last evaluated: 2025-08-09. Review status: criteria provided, single submitter. Criteria: Ambry Variant Classification Scheme 2023. Collection method: clinical testing. Allele origin: germline.

Labcorp Genetics (formerly Invitae), Labcorp
Classification: Uncertain significance. Last evaluated: 2021-08-26. Review status: criteria provided, single submitter. Criteria: Invitae Variant Classification Sherloc (09022015). Collection method: clinical testing. Allele origin: germline.
Comment: This sequence change replaces glutamine with arginine at codon 484 of the GNPAT protein (p.Gln484Arg). The glutamine residue is highly conserved and there is a small physicochemical difference between glutamine and arginine. This variant is present in population databases (rs779383706, ExAC 0.001%). This variant has not been reported in the literature in individuals affected with GNPAT-related conditions. Algorithms developed to predict the effect of missense changes on protein structure and function are either unavailable or do not agree on the potential impact of this missense change (SIFT: "Tolerated"; PolyPhen-2: "Probably Damaging"; Align-GVGD: "Class C0"). In summary, the available evidence is currently insufficient to determine the role of this variant in disease. Therefore, it has been classified as a Variant of Uncertain Significance.

NM_014236.4(GNPAT):c.1451A>G (p.Gln484Arg)

Gene: GNPAT (glyceronephosphate O-acyltransferase; plus strand). Cytogenetic location: 1q42.2.
Variant type: single nucleotide variant.
Coding change: c.1451A>G on transcript NM_014236.4 (MANE Select); coding-DNA position 1451, A replaced by G.
Protein change: p.Gln484Arg; replaces glutamine 484 with arginine.
Molecular consequence: missense variant.
Genome position (GRCh38, 1-based): chr1:231,270,929, A>G. VCF-style: chr1-231270929-A-G. GRCh37 (hg19) VCF-style: chr1-231406675-A-G.
Other names: c.1268A>G, p.Gln423Arg (NM_001316350.2); c.1451A>G (NM_014236.3); short protein forms Q423R, Q484R.
Identifiers: ClinVar variation 1426133 (VCV001426133.8), dbSNP rs779383706, ClinGen allele CA1452025.